The following is an entry in ClinVar:

NM_002474.3(MYH11):c.2112G>A (p.Val704=)

Gene: MYH11 (myosin heavy chain 11; minus strand). Cytogenetic location: 16p13.11.
Variant type: single nucleotide variant.
Coding change: c.2112G>A on transcript NM_002474.3 (MANE Select); coding-DNA position 2112, G replaced by A.
Protein change: p.Val704=; no amino-acid change (valine 704 retained).
Molecular consequence: synonymous variant.
Genome position (GRCh38, 1-based): chr16:15,748,115, C>T on the plus strand (G>A on the coding strand, the complement: MYH11 is on the minus strand). VCF-style: chr16-15748115-C-T. GRCh37 (hg19) VCF-style: chr16-15841972-C-T.
Other names: c.2133G>A, p.Val711= (NM_001040113.2, NM_001040114.2); c.2112G>A, p.Val704= (NM_022844.3).
Identifiers: ClinVar variation 465712 (VCV000465712.34), dbSNP rs781085663, ClinGen allele CA7922386.

ClinVar aggregate classification (germline): Benign/Likely benign. Review status: criteria provided, multiple submitters, no conflicts (2 of 4 stars). 8 submissions from 8 submitters: Benign (1); Likely benign (7). Last evaluated 2025-12-09.

Conditions:
Familial thoracic aortic aneurysm and aortic dissection (TAAD). Also called: Thoracic aortic aneurysms and dissections. Identifiers: Orphanet 91387, MedGen C4707243, MONDO:0019625.
Aortic aneurysm, familial thoracic 4 (AAT4). Also called: AORTIC ANEURYSM/AORTIC DISSECTION AND PATENT DUCTUS ARTERIOSUS. Identifiers: MedGen C1851504, MONDO:0007568, OMIM 132900.

Allele frequency attached by ClinVar (database versions not stated): gnomAD 0.00002 and 0.00003; gnomAD exomes 0.00003 and 0.00004; ExAC 0.00004; TOPMed 0.00006.
gnomAD v4.1: 53 of 1,614,004 alleles (0.0033%); highest among the groups gnomAD compares: Middle Eastern, 0.033%; 1 homozygote.

Submissions (8):

Labcorp Genetics (formerly Invitae), Labcorp
Classification: Likely benign for Aortic aneurysm, familial thoracic 4. Last evaluated: 2025-12-09. Review status: criteria provided, single submitter. Criteria: Invitae Variant Classification Sherloc (09022015). Collection method: clinical testing. Allele origin: germline.

Molecular Diagnostic Laboratory for Inherited Cardiovascular Disease, Montreal Heart Institute
Classification: Likely benign. Last evaluated: 2025-04-09. Review status: criteria provided, single submitter. Criteria: ACMG Guidelines, 2015. Collection method: clinical testing. Allele origin: germline. Affected: no.
Comment: BP6;BP7

Blueprint Genetics
Classification: Likely benign. Last evaluated: 2024-11-04. Review status: criteria provided, single submitter. Criteria: ACMG Guidelines, 2015. Collection method: clinical testing. Allele origin: germline.

All of Us Research Program, National Institutes of Health
Classification: Likely benign for Familial thoracic aortic aneurysm and aortic dissection. Last evaluated: 2023-12-15. Review status: criteria provided, single submitter. Criteria: ACMG Guidelines, 2015. Collection method: clinical testing. Allele origin: germline. Inheritance: Autosomal dominant inheritance. Observed: 12 variant alleles, 12 heterozygotes.
Comment: This study involves interpretation of variants in research participants for the purpose of population health screening. Participant phenotype was not available at the time of variant classification. Additional details can be found in publication PMID: 35346344, PMCID: PMC8962531

Women's Health and Genetics/Laboratory Corporation of America, LabCorp
Classification: Benign. Last evaluated: 2023-08-24. Review status: criteria provided, single submitter. Criteria: LabCorp Variant Classification Summary - May 2015. Collection method: clinical testing. Allele origin: germline.

GeneDx
Classification: Likely benign. Last evaluated: 2021-07-21. Review status: criteria provided, single submitter. Criteria: GeneDx Variant Classification Process June 2021. Collection method: clinical testing. Allele origin: germline. Affected: yes.

Ambry Genetics
Classification: Likely benign for Familial thoracic aortic aneurysm and aortic dissection. Last evaluated: 2020-08-11. Review status: criteria provided, single submitter. Criteria: Ambry Variant Classification Scheme 2023. Collection method: clinical testing. Allele origin: germline.

Color Diagnostics, LLC DBA Color Health
Classification: Likely benign for Familial thoracic aortic aneurysm and aortic dissection. Last evaluated: 2019-01-20. Review status: criteria provided, single submitter. Criteria: ACMG Guidelines, 2015. Collection method: clinical testing. Allele origin: germline.